The following is an entry in ClinVar:

NM_004371.4(COPA):c.47G>A (p.Ser16Asn)

Gene: COPA (coat protein complex I subunit alpha; minus strand). Cytogenetic location: 1q23.2.
Variant type: single nucleotide variant.
Coding change: c.47G>A on transcript NM_004371.4 (MANE Select); coding-DNA position 47, G replaced by A.
Protein change: p.Ser16Asn; replaces serine 16 with asparagine.
Molecular consequence: missense variant.
Genome position (GRCh38, 1-based): chr1:160,340,288, C>T on the plus strand (G>A on the coding strand, the complement: COPA is on the minus strand). VCF-style: chr1-160340288-C-T. GRCh37 (hg19) VCF-style: chr1-160310078-C-T.
Other names: c.47G>A, p.Ser16Asn (NM_001098398.2); short protein forms S16N.
Identifiers: ClinVar variation 949932 (VCV000949932.9), dbSNP rs1647979140, ClinGen allele CA343273596.
Genomic context (GRCh38, chr1:160,340,288, plus strand): 5'-CATAACTGGATGACCCCATTATGTAAACTAGTCAGGATCCAAGGTCTTTTGGGGTGAAAG[C>T]TGAGCCCTGAAAAAAATAGAAAATGATACAATGAGCTAACTAAGCCCCATGATGTCACCT-3'
Protein context (NP_004362.2, residues 6-26): ETKSARVKGL[Ser16Asn]FHPKRPWILT

ClinVar aggregate classification (germline): Uncertain significance (1 of 4 stars; one submission).

Conditions:
Autoimmune interstitial lung disease-arthritis syndrome. Also called: Autoinflammation and autoimmunity, systemic, with immune dysregulation. Identifiers: Orphanet 444092, MedGen C5975714, MONDO:0014629.

Submission:

Labcorp Genetics (formerly Invitae), Labcorp
Classification: Uncertain significance for Autoimmune interstitial lung disease-arthritis syndrome. Last evaluated: 2021-07-22. Review status: criteria provided, single submitter. Criteria: Invitae Variant Classification Sherloc (09022015). Collection method: clinical testing. Allele origin: germline.
Comment: This sequence change replaces serine with asparagine at codon 16 of the COPA protein (p.Ser16Asn). The serine residue is moderately conserved and there is a small physicochemical difference between serine and asparagine. In summary, the available evidence is currently insufficient to determine the role of this variant in disease. Therefore, it has been classified as a Variant of Uncertain Significance. Algorithms developed to predict the effect of missense changes on protein structure and function are either unavailable or do not agree on the potential impact of this missense change (SIFT: "Deleterious"; PolyPhen-2: "Probably Damaging"; Align-GVGD: "Class C0"). This variant has not been reported in the literature in individuals with COPA-related conditions. This variant is not present in population databases (ExAC no frequency).